The following is an entry in ClinVar:

NM_001130053.5(EEF1D):c.1388-3C>G

Gene: EEF1D (eukaryotic translation elongation factor 1 delta; minus strand). Cytogenetic location: 8q24.3.
Variant type: single nucleotide variant.
Coding change: c.1388-3C>G on transcript NM_001130053.5 (MANE Select); 3 bases into the intron before coding-DNA position 1388, C replaced by G.
Molecular consequence: intron variant.
Genome position (GRCh38, 1-based): chr8:143,581,157, G>C on the plus strand (C>G on the coding strand, the complement: EEF1D is on the minus strand). VCF-style: chr8-143581157-G-C. GRCh37 (hg19) VCF-style: chr8-144663327-G-C.
Other names: c.218-3C>G (NM_001317743.4, NM_001130056.5, NM_001330646.3); c.290-3C>G (NM_001289950.4, NM_001960.7, NM_001130055.4 and 1 more transcripts); c.233-3C>G (NM_001195203.4); c.1388-3C>G (NM_032378.7).
Identifiers: ClinVar variation 3900827 (VCV003900827.1).
Genomic context (GRCh38, chr8:143,581,157, plus strand): 5'-TCCAGCACGTTCAGCCGGGCCTCCAGCTTGGAGATGGCCTGCTGCAGCTCCTGTACCACT[G>C]GGGGGGCAAGGGGAGCACGGTTAGATGGCAGGGGCCAGGGACAGCCCCAACCCACTGGCC-3'

ClinVar aggregate classification (germline): Uncertain significance (1 of 4 stars; one submission).

gnomAD v4.1: 1 of 1,612,538 alleles (0.000062%); highest among the groups gnomAD compares: Non-Finnish European, 0.000085%; no homozygotes.

Submission:

GeneDx
Classification: Uncertain significance. Last evaluated: 2024-11-27. Review status: criteria provided, single submitter. Criteria: GeneDx Variant Classification Process June 2021. Collection method: clinical testing. Allele origin: germline. Affected: yes.
Comment: Not observed at significant frequency in large population cohorts (gnomAD); In silico analysis supports a deleterious effect on splicing; Has not been previously published as pathogenic or benign to our knowledge